The following is an entry in ClinVar:

NM_014915.3(ANKRD26):c.391A>C (p.Ile131Leu)

Gene: ANKRD26 (ankyrin repeat domain 26; minus strand). Cytogenetic location: 10p12.1.
Variant type: single nucleotide variant.
Coding change: c.391A>C on transcript NM_014915.3 (MANE Select); coding-DNA position 391, A replaced by C.
Protein change: p.Ile131Leu; replaces isoleucine 131 with leucine.
Molecular consequence: missense variant.
Genome position (GRCh38, 1-based): chr10:27,093,489, T>G on the plus strand (A>C on the coding strand, the complement: ANKRD26 is on the minus strand). VCF-style: chr10-27093489-T-G. GRCh37 (hg19) VCF-style: chr10-27382418-T-G.
Other names: c.391A>C, p.Ile131Leu (NM_001256053.2); short protein forms I131L.
Identifiers: ClinVar variation 2884771 (VCV002884771.4), dbSNP rs774893100, ClinGen allele CA5448953.

ClinVar aggregate classification (germline): Uncertain significance. Review status: criteria provided, multiple submitters, no conflicts (2 of 4 stars). 2 submissions from 2 submitters: Uncertain significance (2). Last evaluated 2025-02-20.

Conditions:
Inborn genetic diseases. Identifiers: MedGen C0950123, MeSH D030342.

Allele frequency attached by ClinVar (database versions not stated): ExAC 0.00001; TOPMed 0.00001.
gnomAD v4.1: 3 of 1,614,196 alleles (0.00019%); highest among the groups gnomAD compares: Non-Finnish European, 0.00025%; no homozygotes.

Submissions (2):

Ambry Genetics
Classification: Uncertain significance for Inborn genetic diseases. Last evaluated: 2025-02-20. Review status: criteria provided, single submitter. Criteria: Ambry Variant Classification Scheme 2023. Collection method: clinical testing. Allele origin: germline.
Comment: The p.I131L variant (also known as c.391A>C), located in coding exon 3 of the ANKRD26 gene, results from an A to C substitution at nucleotide position 391. The isoleucine at codon 131 is replaced by leucine, an amino acid with highly similar properties. This amino acid position is conserved. In addition, this alteration is predicted to be tolerated by in silico analysis. Based on the available evidence, the clinical significance of this variant remains unclear.

Labcorp Genetics (formerly Invitae), Labcorp
Classification: Uncertain significance. Last evaluated: 2023-12-09. Review status: criteria provided, single submitter. Criteria: Invitae Variant Classification Sherloc (09022015). Collection method: clinical testing. Allele origin: germline.
Comment: This sequence change replaces isoleucine, which is neutral and non-polar, with leucine, which is neutral and non-polar, at codon 131 of the ANKRD26 protein (p.Ile131Leu). This variant is present in population databases (rs774893100, gnomAD 0.0009%). This variant has not been reported in the literature in individuals affected with ANKRD26-related conditions. Algorithms developed to predict the effect of missense changes on protein structure and function output the following: SIFT: "Not Available"; PolyPhen-2: "Benign"; Align-GVGD: "Not Available". The leucine amino acid residue is found in multiple mammalian species, which suggests that this missense change does not adversely affect protein function. In summary, the available evidence is currently insufficient to determine the role of this variant in disease. Therefore, it has been classified as a Variant of Uncertain Significance.